The following is an entry in ClinVar:

NM_001173990.3(TMEM216):c.218G>A (p.Arg73His)

Gene: TMEM216 (transmembrane protein 216; plus strand). Cytogenetic location: 11q12.2.
Variant type: single nucleotide variant.
Coding change: c.218G>A on transcript NM_001173990.3 (MANE Select); coding-DNA position 218, G replaced by A.
Protein change: p.Arg73His; replaces arginine 73 with histidine.
Molecular consequence: missense variant.
Genome position (GRCh38, 1-based): chr11:61,393,965, G>A. VCF-style: chr11-61393965-G-A. GRCh37 (hg19) VCF-style: chr11-61161437-G-A.
Other names: c.218G>A, p.Arg73His (NM_001173991.3); c.35G>A, p.Arg12His (NM_001330285.2, NM_016499.6); c.218G>A (NM_001173991.2); short protein forms R73H, R12H.
Identifiers: ClinVar variation 198 (VCV000000198.21), dbSNP rs201108965, ClinGen allele CA129626.

ClinVar aggregate classification (germline): Conflicting classifications of pathogenicity. Review status: criteria provided, conflicting classifications (1 of 4 stars). 10 submissions from 9 submitters: Pathogenic (1); Likely pathogenic (6); Uncertain significance (1). 2 of the submissions do not count toward it. Last evaluated 2026-08-13.

Conditions:
Meckel syndrome, type 2 (MKS2). Also called: MECKEL-GRUBER SYNDROME, TYPE 2; MKS2-Related Meckel Syndrome. Identifiers: Orphanet 564, MedGen C1864148, MONDO:0011296, OMIM 603194.
Joubert syndrome 2 (JBTS2). Also called: CEREBELLOOCULORENAL SYNDROME 2. Identifiers: Orphanet 2318, MedGen C1842577, MONDO:0011963, OMIM 608091.
Retinitis pigmentosa 98. Identifiers: MedGen C5975495, MONDO:0975840, OMIM 620996.
Ciliopathy. Also called: Ciliopathies. Identifiers: Orphanet 363250, MedGen C4277690, MONDO:0005308, MeSH D000072661.
Joubert syndrome. Also called: JOUBERT-BOLTSHAUSER SYNDROME; Familial aplasia of the vermis. Identifiers: Orphanet 475, MedGen C5979921, MONDO:0018772.

Allele frequency attached by ClinVar (database versions not stated): TOPMed 0.00001.

Submissions (10):

Myriad Genetics, Inc.
Classification: Uncertain significance for Ciliopathy. Last evaluated: 2026-08-13. Review status: criteria provided, single submitter. Criteria: Myriad Autosomal Dominant, Autosomal Recessive and X-Linked Classification Criteria (2023). Collection method: clinical testing. Allele origin: unknown.
Comment: NM_001173990.2(TMEM216):c.218G>A(R73H) is undefined variant classified as a variant of uncertain significance in the context of Joubert syndrome 2. R73H has been observed in a case with relevant disease (PMID: 20512146). Relevant functional assessments of this variant are available in the literature (PMID: 20512146). R73H has been observed in referenced population frequency databases. In summary, there is insufficient evidence to classify NM_001173990.2(TMEM216):c.218G>A(R73H) as pathogenic or benign. Please note: this variant was assessed in the context of healthy population screening.

Labcorp Genetics (formerly Invitae), Labcorp
Classification: Pathogenic for Joubert syndrome. Last evaluated: 2026-01-25. Review status: criteria provided, single submitter. Criteria: Invitae Variant Classification Sherloc (09022015). Collection method: clinical testing. Allele origin: germline.
Comment: This sequence change replaces arginine, which is basic and polar, with histidine, which is basic and polar, at codon 73 of the TMEM216 protein (p.Arg73His). This variant is present in population databases (rs201108965, gnomAD 0.01%). This missense change has been observed in individual(s) with Joubert syndrome-related disorders (PMID: 20512146). ClinVar contains an entry for this variant (Variation ID: 198). An algorithm developed to predict the effect of missense changes on protein structure and function (PolyPhen-2) suggests that this variant is likely to be disruptive. Experimental studies have shown that this missense change affects TMEM216 function (PMID: 20512146). This variant disrupts the p.Arg73 amino acid residue in TMEM216. Other variant(s) that disrupt this residue have been determined to be pathogenic (PMID: 20036350, 20512146, 26092869, 26673778). This suggests that this residue is clinically significant, and that variants that disrupt this residue are likely to be disease-causing. For these reasons, this variant has been classified as Pathogenic.

Natera, Inc.
Classification: Likely pathogenic for Joubert syndrome type 2. Last evaluated: 2025-06-11. Review status: criteria provided, single submitter. Criteria: Natera Variant Classification Schema (03/2026). Collection method: clinical testing. Allele origin: germline.
Comment: The c.218G>A variant in TMEM216 is a missense variant predicted to cause substitution of arginine to histidine at amino acid 73. This variant is rare in the general population with a frequency below the threshold expected for the associated phenotype(s). This variant has been observed in one or more individuals affected with the associated recessive disease, as either homozygous or compound heterozygous with a second variant (PMID: 20512146). This variant has been observed to segregate in affected family members (PMID: 20512146). A different variant at the same position has been determined to be Pathogenic or Likely Pathogenic. Given the available evidence, this variant is classified as Likely Pathogenic.

Genomic Medicine Center of Excellence, King Faisal Specialist Hospital and Research Centre
Classification: Likely pathogenic for Meckel syndrome, type 2. Last evaluated: 2024-09-22. Review status: criteria provided, single submitter. Criteria: ACMG Guidelines, 2015. Collection method: clinical testing. Allele origin: germline.

Fulgent Genetics
Classification: Likely pathogenic for Meckel syndrome, type 2; Joubert syndrome 2. Last evaluated: 2024-03-01. Review status: criteria provided, single submitter. Criteria: ACMG Guidelines, 2015. Collection method: clinical testing. Allele origin: germline.

Baylor Genetics
Classification: Likely pathogenic for Joubert syndrome 2. Last evaluated: 2024-02-07. Review status: criteria provided, single submitter. Criteria: ACMG Guidelines, 2015. Collection method: clinical testing. Allele origin: unknown.

Juno Genomics, Hangzhou Juno Genomics, Inc
Classification: Likely pathogenic for Retinitis pigmentosa 98; Joubert syndrome 2; Meckel syndrome, type 2. Review status: criteria provided, single submitter. Criteria: ACMG Guidelines, 2015. Collection method: clinical testing. Allele origin: germline.
Comment: Absent from controls (or at extremely low frequency if recessive) in Genome Aggregation Database.;Multiple lines of computational evidence support a deleterious effect on the gene or gene product.;Novel missense change at an amino acid residue where a different missense change determined to be pathogenic has been seen before.;For recessive disorders, detected in trans with a pathogenic variant.;Co-segregation with disease in multiple affected family members.

Kasturba Medical College, Manipal, Kasturba Medical College, Manipal, Manipal Academy of Higher Education, Manipal, India
Classification: Likely pathogenic for Joubert syndrome 2. Review status: criteria provided, single submitter. Criteria: ACMG Guidelines, 2015. Collection method: research. Allele origin: biparental. Inheritance: Autosomal recessive inheritance. Affected: yes. Observed: 1 homozygote.
Comment: The variant c.218G>A has been observed in heterozygous state in seven individuals in gnomAD (v4.1) population database (allele frequency: 0.000004338). This variant is absent in our in-house data of 3492 exomes.

OMIM
Classification: Pathogenic for JOUBERT SYNDROME 2. Last evaluated: 2010-07-01. Review status: no assertion criteria provided. Collection method: literature only. Allele origin: germline. Not counted in ClinVar's aggregate classification.

OMIM
Classification: Pathogenic for MECKEL SYNDROME, TYPE 2. Last evaluated: 2010-07-01. Review status: no assertion criteria provided. Collection method: literature only. Allele origin: germline. Not counted in ClinVar's aggregate classification.

Literature cited by the submitters: PubMed 20512146 (cited by 5 submitters); PubMed 20036350 (cited by Labcorp Genetics (formerly Invitae), Labcorp); PubMed 26092869 (cited by Labcorp Genetics (formerly Invitae), Labcorp); PubMed 26673778 (cited by Labcorp Genetics (formerly Invitae), Labcorp).